The following is an entry in ClinVar:

NM_015338.6(ASXL1):c.2788dup (p.Trp930fs)

Gene: ASXL1 (ASXL transcriptional regulator 1; plus strand). Cytogenetic location: 20q11.21.
Variant type: Duplication.
Coding change: c.2788dup on transcript NM_015338.6 (MANE Select); coding-DNA position 2788, one base duplicated (T; older notation c.2788dupT).
Protein change: p.Trp930fs; shifts the reading frame from tryptophan 930.
Molecular consequence: frameshift variant.
Genome position (GRCh38, 1-based): chr20:32,435,500, T duplicated. VCF-style (leftmost placement, unchanged base first): chr20-32435499-G-GT. GRCh37 (hg19) VCF-style: chr20-31023302-G-GT.
Other names: c.2605dup, p.Trp869fs (NM_001363734.1); short protein forms W930fs, W869fs.
Identifiers: ClinVar variation 2016278 (VCV002016278.4), dbSNP rs2515571377, ClinGen allele CA2580098116.
Genomic context (GRCh38, chr20:32,435,499, plus strand): 5'-ACAGCCCAAACCAGAATCCAGAGAACACATACCATCTGTTGAGCCCCAGGTTGGAGAGGA[G>GT]TGGGAGAAAGCTGCTCCCACCCCTCCTGCATTGCCTGGGGATTTGACAGCTGAGGAGGGT-3'

ClinVar aggregate classification (germline): Pathogenic (1 of 4 stars; one submission).

Submission:

Labcorp Genetics (formerly Invitae), Labcorp
Classification: Pathogenic. Last evaluated: 2022-07-12. Review status: criteria provided, single submitter. Criteria: Invitae Variant Classification Sherloc (09022015). Collection method: clinical testing. Allele origin: germline.
Comment: For these reasons, this variant has been classified as Pathogenic. This variant disrupts a region of the ASXL1 protein in which other variant(s) (p.Glu1415*) have been determined to be pathogenic (PMID: 30806792). This suggests that this is a clinically significant region of the protein, and that variants that disrupt it are likely to be disease-causing. This variant has not been reported in the literature in individuals affected with ASXL1-related conditions. This variant is not present in population databases (gnomAD no frequency). This sequence change creates a premature translational stop signal (p.Trp930Leufs*18) in the ASXL1 gene. While this is not anticipated to result in nonsense mediated decay, it is expected to disrupt the last 612 amino acid(s) of the ASXL1 protein.

Literature cited by the submitters: PubMed 30806792.